The following is an entry in ClinVar:

NM_031935.3(HMCN1):c.6799T>C (p.Tyr2267His)

Gene: HMCN1 (hemicentin 1; plus strand). Cytogenetic location: 1q31.1.
Variant type: single nucleotide variant.
Coding change: c.6799T>C on transcript NM_031935.3 (MANE Select); coding-DNA position 6799, T replaced by C.
Protein change: p.Tyr2267His; replaces tyrosine 2267 with histidine.
Molecular consequence: missense variant.
Genome position (GRCh38, 1-based): chr1:186,053,923, T>C. VCF-style: chr1-186053923-T-C. GRCh37 (hg19) VCF-style: chr1-186023055-T-C.
Other names: short protein forms Y2267H.
Identifiers: ClinVar variation 1897765 (VCV001897765.5), dbSNP rs778970710, ClinGen allele CA1292667.

ClinVar aggregate classification (germline): Uncertain significance (1 of 4 stars; one submission).

Allele frequency attached by ClinVar (database versions not stated): gnomAD exomes below 0.00001; TOPMed below 0.00001; ExAC 0.00002.
gnomAD v4.1: 6 of 1,612,796 alleles (0.00037%); highest among the groups gnomAD compares: Admixed American, 0.005%; no homozygotes.

Submission:

Labcorp Genetics (formerly Invitae), Labcorp
Classification: Uncertain significance. Last evaluated: 2022-02-04. Review status: criteria provided, single submitter. Criteria: Invitae Variant Classification Sherloc (09022015). Collection method: clinical testing. Allele origin: germline.
Comment: This variant is present in population databases (rs778970710, gnomAD 0.006%). This sequence change replaces tyrosine, which is neutral and polar, with histidine, which is basic and polar, at codon 2267 of the HMCN1 protein (p.Tyr2267His). This variant has not been reported in the literature in individuals affected with HMCN1-related conditions. Algorithms developed to predict the effect of missense changes on protein structure and function (SIFT, PolyPhen-2, Align-GVGD) all suggest that this variant is likely to be disruptive. In summary, the available evidence is currently insufficient to determine the role of this variant in disease. Therefore, it has been classified as a Variant of Uncertain Significance.